The following is an entry in ClinVar:

NM_001943.5(DSG2):c.2059G>T (p.Val687Leu)

Genes: DSG2 (desmoglein 2; plus strand), DSG2-AS1 (DSG2 antisense RNA 1; minus strand). Cytogenetic location: 18q12.1.
Variant type: single nucleotide variant.
Coding change: c.2059G>T on transcript NM_001943.5 (MANE Select); coding-DNA position 2059, G replaced by T.
Protein change: p.Val687Leu; replaces valine 687 with leucine.
Molecular consequence: missense variant.
Genome position (GRCh38, 1-based): chr18:31,542,577, G>T. VCF-style: chr18-31542577-G-T. GRCh37 (hg19) VCF-style: chr18-29122540-G-T.
Other names: short protein forms V687L.
Identifiers: ClinVar variation 919383 (VCV000919383.4), dbSNP rs2073275101, ClinGen allele CA402141318.

ClinVar aggregate classification (germline): Uncertain significance (1 of 4 stars; one submission).

Conditions:
Cardiomyopathy (CMYO). Also called: Cardiomyopathies. Identifiers: Orphanet 167848, MedGen C0878544, MONDO:0004994, HP:0001638. Inheritance: Various modes of inheritance.

Submission:

Color Diagnostics, LLC DBA Color Health
Classification: Uncertain significance for Cardiomyopathy. Last evaluated: 2024-03-06. Review status: criteria provided, single submitter. Criteria: ACMG Guidelines, 2015. Collection method: clinical testing. Allele origin: germline.
Comment: This missense variant replaces valine with leucine at codon 687 of the DSG2 protein. Computational prediction tool suggests that this variant may not impact protein structure and function (internally defined REVEL score threshold <=0.5, PMID: 27666373). Splice site prediction tools suggest that this variant may not impact RNA splicing. To our knowledge, functional studies have not been performed for this variant. This variant has not been reported in individuals affected with cardiovascular disorders in the literature. This variant has not been identified in the general population by the Genome Aggregation Database (gnomAD). The available evidence is insufficient to determine the role of this variant in disease conclusively. Therefore, this variant is classified as a Variant of Uncertain Significance.